The following is an entry in ClinVar:

NM_001114753.3(ENG):c.674C>T (p.Pro225Leu)

Gene: ENG (endoglin; minus strand). Cytogenetic location: 9q34.11.
Variant type: single nucleotide variant.
Coding change: c.674C>T on transcript NM_001114753.3 (MANE Select); coding-DNA position 674, C replaced by T.
Protein change: p.Pro225Leu; replaces proline 225 with leucine.
Molecular consequence: missense variant.
Genome position (GRCh38, 1-based): chr9:127,825,710, G>A on the plus strand (C>T on the coding strand, the complement: ENG is on the minus strand). VCF-style: chr9-127825710-G-A. GRCh37 (hg19) VCF-style: chr9-130587989-G-A.
Other names: c.128C>T, p.Pro43Leu (NM_001278138.2); c.674C>T, p.Pro225Leu (NM_001406715.1, NM_000118.4); short protein forms P43L, P225L.
Identifiers: ClinVar variation 864140 (VCV000864140.11), dbSNP rs781715616, ClinGen allele CA5253054.
Genomic context (GRCh38, chr9:127,825,710, plus strand): 5'-CTCTCGGGGTGGGGACTAGTGTCAGGGGCGGGGCGAGAGCCATACCCGGCCGAGTGGCCC[G>A]GCAGGACCCTCAGGATGTGCGCCTCCTTGTGGCCGGCCACGCCTTCCAAGTGGCAGCCCC-3'
Protein context (NP_001108225.1, residues 215-235): HKEAHILRVL[Pro225Leu]GHSAGPRTVT

ClinVar aggregate classification (germline): Uncertain significance. Review status: criteria provided, multiple submitters, no conflicts (2 of 4 stars). 2 submissions from 2 submitters: Uncertain significance (2). Last evaluated 2025-10-20.

Conditions:
Telangiectasia, hereditary hemorrhagic, type 1 (HHT1). Also called: Osler Weber Rendu syndrome type 1; ENG-Related Hereditary Hemorrhagic Telangiectasia. Identifiers: Orphanet 774, MedGen C4551861, MONDO:0008535, OMIM 187300. Disease mechanism: loss of function.
Hereditary hemorrhagic telangiectasia (HHT). Also called: ORW DISEASE; Osler Weber Rendu syndrome; OSLER-RENDU-WEBER DISEASE; Osler hemorrhagic telangiectasia syndrome. Identifiers: Orphanet 774, MedGen C0039445, MONDO:0019180. Disease mechanism: loss of function.

Allele frequency attached by ClinVar (database versions not stated): TOPMed 0.00002; gnomAD 0.00003; ExAC 0.00002.
gnomAD v4.1: 22 of 1,586,376 alleles (0.0014%); highest among the groups gnomAD compares: Admixed American, 0.0051%; no homozygotes.

Submissions (2):

Labcorp Genetics (formerly Invitae), Labcorp
Classification: Uncertain significance for Hereditary hemorrhagic telangiectasia. Last evaluated: 2025-10-20. Review status: criteria provided, single submitter. Criteria: Invitae Variant Classification Sherloc (09022015). Collection method: clinical testing. Allele origin: germline.
Comment: This sequence change replaces proline, which is neutral and non-polar, with leucine, which is neutral and non-polar, at codon 225 of the ENG protein (p.Pro225Leu). The frequency data for this variant in the population databases is considered unreliable, as metrics indicate poor data quality at this position in the gnomAD database. This missense change has been observed in individual(s) with hereditary hemorrhagic telangiectasia (PMID: 19767588). ClinVar contains an entry for this variant (Variation ID: 864140). Invitae Evidence Modeling of protein sequence and biophysical properties (such as structural, functional, and spatial information, amino acid conservation, physicochemical variation, residue mobility, and thermodynamic stability) has been performed for this missense variant. However, the output from this modeling did not meet the statistical confidence thresholds required to predict the impact of this variant on ENG protein function. In summary, the available evidence is currently insufficient to determine the role of this variant in disease. Therefore, it has been classified as a Variant of Uncertain Significance.

Fulgent Genetics
Classification: Uncertain significance for Telangiectasia, hereditary hemorrhagic, type 1. Last evaluated: 2024-05-14. Review status: criteria provided, single submitter. Criteria: ACMG Guidelines, 2015. Collection method: clinical testing. Allele origin: germline.

Literature cited by the submitters: PubMed 19767588 (cited by Labcorp Genetics (formerly Invitae), Labcorp).